The following is an entry in ClinVar:

NM_002618.4(PEX13):c.26C>G (p.Pro9Arg)

Genes: PEX13 (peroxisomal biogenesis factor 13; plus strand), PUS10 (pseudouridine synthase 10; minus strand). Cytogenetic location: 2p15.
Variant type: single nucleotide variant.
Coding change: c.26C>G on transcript NM_002618.4 (MANE Select); coding-DNA position 26, C replaced by G.
Protein change: p.Pro9Arg; replaces proline 9 with arginine.
Molecular consequence: missense variant. On other transcripts: intron variant (2).
Genome position (GRCh38, 1-based): chr2:61,017,785, C>G. VCF-style: chr2-61017785-C-G. GRCh37 (hg19) VCF-style: chr2-61244920-C-G.
Other names: c.-16+223G>C (NM_144709.4); c.-623+223G>C (NM_001322127.1); short protein forms P9R.
Identifiers: ClinVar variation 289819 (VCV000289819.20), dbSNP rs764069625, ClinGen allele CA10606564.

ClinVar aggregate classification (germline): Uncertain significance. Review status: criteria provided, multiple submitters, no conflicts (2 of 4 stars). 7 submissions from 7 submitters: Uncertain significance (7). Last evaluated 2026-02-23.

Conditions:
Inborn genetic diseases. Identifiers: MedGen C0950123, MeSH D030342.
Peroxisome biogenesis disorder 11A (Zellweger). Also called: Peroxisome biogenesis disorder 11A. Identifiers: Orphanet 912, MedGen C3554000, MONDO:0013949, OMIM 614883.
PEX13-related disorder. Also called: PEX13-related disorders; PEX13-related condition.

Allele frequency attached by ClinVar (database versions not stated): TOPMed 0.00004; 1000 Genomes Project 30x 0.00031.
gnomAD v4.1: 97 of 1,550,328 alleles (0.0063%); highest among the groups gnomAD compares: Admixed American, 0.012%; no homozygotes.

Submissions (7):

PreventionGenetics, part of Exact Sciences
Classification: Uncertain significance for PEX13-related condition. Last evaluated: 2026-02-23. Review status: criteria provided, single submitter. Criteria: ACMG Guidelines, 2015. Collection method: clinical testing. Allele origin: germline.
Comment: The PEX13 c.26C>G variant is predicted to result in the amino acid substitution p.Pro9Arg. To our knowledge, this variant has not been reported in the literature. This variant is reported in 0.0081% of alleles in individuals of Latino descent in gnomAD. At this time, the clinical significance of this variant is uncertain due to the absence of conclusive functional and genetic evidence.

Labcorp Genetics (formerly Invitae), Labcorp
Classification: Uncertain significance for Peroxisome biogenesis disorder 11A (Zellweger). Last evaluated: 2026-01-20. Review status: criteria provided, single submitter. Criteria: Invitae Variant Classification Sherloc (09022015). Collection method: clinical testing. Allele origin: germline.
Comment: This sequence change replaces proline, which is neutral and non-polar, with arginine, which is basic and polar, at codon 9 of the PEX13 protein (p.Pro9Arg). This variant is present in population databases (no rsID available, gnomAD 0.008%). This variant has not been reported in the literature in individuals affected with PEX13-related conditions. ClinVar contains an entry for this variant (Variation ID: 289819). An algorithm developed to predict the effect of missense changes on protein structure and function (PolyPhen-2) suggests that this variant is likely to be disruptive. In summary, the available evidence is currently insufficient to determine the role of this variant in disease. Therefore, it has been classified as a Variant of Uncertain Significance.

GeneDx
Classification: Uncertain significance. Last evaluated: 2025-10-23. Review status: criteria provided, single submitter. Criteria: GeneDx Variant Classification Process June 2021. Collection method: clinical testing. Allele origin: germline. Affected: yes.
Comment: Not observed at significant frequency in large population cohorts (gnomAD); In silico analysis supports that this missense variant has a deleterious effect on protein structure/function; Has not been previously published as pathogenic or benign to our knowledge

Blueprint Genetics
Classification: Uncertain significance. Last evaluated: 2023-10-02. Review status: criteria provided, single submitter. Criteria: ACMG Guidelines, 2015. Collection method: clinical testing. Allele origin: germline.

Ambry Genetics
Classification: Uncertain significance for Inborn genetic diseases. Last evaluated: 2023-06-21. Review status: criteria provided, single submitter. Criteria: Ambry Variant Classification Scheme 2023. Collection method: clinical testing. Allele origin: germline.

Illumina Laboratory Services, Illumina
Classification: Uncertain significance for Peroxisome biogenesis disorder 11A (Zellweger). Last evaluated: 2018-01-13. Review status: criteria provided, single submitter. Criteria: ICSL Variant Classification Criteria 13 December 2019. Collection method: clinical testing. Allele origin: germline.

Eurofins Ntd Llc (ga)
Classification: Uncertain significance. Last evaluated: 2017-12-26. Review status: criteria provided, single submitter. Criteria: EGL Classification Definitions 2015. Collection method: clinical testing. Allele origin: germline. Observed: 4 variant alleles, 4 heterozygotes.